The following is an entry in ClinVar:

NM_000552.5(VWF):c.3863T>G (p.Leu1288Arg)

Gene: VWF (von Willebrand factor; minus strand). Cytogenetic location: 12p13.31.
Variant type: single nucleotide variant.
Coding change: c.3863T>G on transcript NM_000552.5 (MANE Select); coding-DNA position 3863, T replaced by G.
Protein change: p.Leu1288Arg; replaces leucine 1288 with arginine.
Molecular consequence: missense variant.
Genome position (GRCh38, 1-based): chr12:6,019,555, A>C on the plus strand (T>G on the coding strand, the complement: VWF is on the minus strand). VCF-style: chr12-6019555-A-C. GRCh37 (hg19) VCF-style: chr12-6128721-A-C.
Other names: p.L1288R; short protein forms L1288R.
Identifiers: ClinVar variation 100294 (VCV000100294.7), dbSNP rs267607334, ClinGen allele CA228470.
Genomic context (GRCh38, chr12:6,019,555, plus strand): 5'-CGCAGCCGCTCCATCATGTCCACCACAAAGGCCTTCAGCACTTCAAACTCAGCCTCGGAC[A>C]GCCTGGAGGAGCCATCCAGCAGGAAGACCAGGTCCAGTAGCCTGCTGCAGTAGAAATCGT-3'
Protein context (NP_000543.3, residues 1278-1298): LVFLLDGSSR[Leu1288Arg]SEAEFEVLKA

ClinVar aggregate classification (germline): Pathogenic/Likely pathogenic. Review status: criteria provided, multiple submitters, no conflicts (2 of 4 stars). 6 submissions from 4 submitters: Pathogenic (2); Likely pathogenic (3). 1 of the submissions does not count toward it. Last evaluated 2021-03-04.

Conditions:
Hereditary von Willebrand disease. Identifiers: Orphanet 903, MedGen C5703318, MONDO:0019565. Inheritance: Autosomal recessive or Autosomal dominant.
von Willebrand disease type 2 (VWD2). Also called: VWD, TYPE 2; VON WILLEBRAND DISEASE, TYPE 2A/IIE; VON WILLEBRAND DISEASE, TYPE 2CB; VON WILLEBRAND DISEASE, TYPE II. Identifiers: Orphanet 166081, Orphanet 903, MedGen C1264040, MONDO:0013304, OMIM 613554.
von Willebrand disease type 1 (VWD1). Also called: VWD, TYPE 1; VON WILLEBRAND DISEASE, TYPE I. Identifiers: Orphanet 166078, Orphanet 903, MedGen C1264039, MONDO:0008668, OMIM 193400. Inheritance: autosomal recessive or autosomal dominant.

Submissions (6):

Laboratory of Hematology, Radboud University Medical Center
Classification: Pathogenic for von Willebrand disease type 1. Last evaluated: 2021-03-04. Review status: criteria provided, single submitter. Criteria: ACMG Guidelines, 2015. Collection method: research. Allele origin: germline. Affected: yes. Observed: 1 variant allele. Study: WIN study.

Laboratory of Hematology, Radboud University Medical Center
Classification: Pathogenic for von Willebrand disease type 2. Last evaluated: 2021-03-04. Review status: criteria provided, single submitter. Criteria: ACMG Guidelines, 2015. Collection method: research. Allele origin: germline. Affected: yes. Observed: 1 variant allele. Study: WIN study.

NIHR Bioresource Rare Diseases, University of Cambridge
Classification: Likely pathogenic for von Willebrand disorder. Last evaluated: 2019-02-01. Review status: criteria provided, single submitter. Criteria: ACMG Guidelines, 2015. Collection method: research. Allele origin: unknown. Affected: yes. Observed: 1 heterozygote. Study: ThromboGenomics.

ISTH-SSC Genomics in Thrombosis and Hemostasis, KU Leuven, Center for Molecular and Vascular Biology
Classification: Likely pathogenic for von Willebrand disease type 2. Review status: criteria provided, single submitter. Criteria: ACMG Guidelines, 2015. Collection method: clinical testing. Allele origin: germline. Affected: yes. Observed: 1 heterozygote.
Comment: Submitted to the GoldVariant database by Kathleen Freson, Center for Molecular and Vascular Biology

ISTH-SSC Genomics in Thrombosis and Hemostasis, KU Leuven, Center for Molecular and Vascular Biology
Classification: Likely pathogenic for von Willebrand disease type 1. Review status: criteria provided, single submitter. Criteria: ACMG Guidelines, 2015. Collection method: clinical testing. Allele origin: germline. Affected: yes. Observed: 1 heterozygote.
Comment: Submitted to GoldVariant by Kathleen Freson, Center for Molecular and Vascular Biology, Leuven, Belgium

Academic Unit of Haematology, University of Sheffield
No classification provided. Review status: no classification provided. Collection method: not provided. Allele origin: not provided. Not counted in ClinVar's aggregate classification.

Literature cited by the submitters: PubMed 31064749 (cited by NIHR Bioresource Rare Diseases, University of Cambridge).